The following is an entry in ClinVar:

NM_032776.3(JMJD1C):c.5956G>A (p.Gly1986Ser)

Gene: JMJD1C (jumonji domain containing 1C; minus strand). Cytogenetic location: 10q21.3.
Variant type: single nucleotide variant.
Coding change: c.5956G>A on transcript NM_032776.3 (MANE Select); coding-DNA position 5956, G replaced by A.
Protein change: p.Gly1986Ser; replaces glycine 1986 with serine.
Molecular consequence: missense variant. On other transcripts: non-coding transcript variant (1).
Genome position (GRCh38, 1-based): chr10:63,193,058, C>T on the plus strand (G>A on the coding strand, the complement: JMJD1C is on the minus strand). VCF-style: chr10-63193058-C-T. GRCh37 (hg19) VCF-style: chr10-64952818-C-T.
Other names: c.5410G>A, p.Gly1804Ser (NM_001282948.2, NM_001318154.2); c.5092G>A, p.Gly1698Ser (NM_001318153.2); c.5842G>A, p.Gly1948Ser (NM_001322252.2); c.5299G>A, p.Gly1767Ser (NM_001322254.2, NM_001322258.2); short protein forms G1698S, G1986S, G1804S, G1948S, G1767S.
Identifiers: ClinVar variation 2876188 (VCV002876188.3), dbSNP rs1162455756, ClinGen allele CA377026463.

ClinVar aggregate classification (germline): Uncertain significance (1 of 4 stars; one submission).

Conditions:
Early Myoclonic Encephalopathy. Identifiers: MedGen C0270855.

Allele frequency attached by ClinVar (database versions not stated): gnomAD exomes below 0.00001.
gnomAD v4.1: 3 of 1,614,166 alleles (0.00019%); highest among the groups gnomAD compares: African/African-American, 0.0027%; no homozygotes.

Submission:

Labcorp Genetics (formerly Invitae), Labcorp
Classification: Uncertain significance for Early Myoclonic Encephalopathy. Last evaluated: 2023-04-10. Review status: criteria provided, single submitter. Criteria: Invitae Variant Classification Sherloc (09022015). Collection method: clinical testing. Allele origin: germline.
Comment: In summary, the available evidence is currently insufficient to determine the role of this variant in disease. Therefore, it has been classified as a Variant of Uncertain Significance. Advanced modeling of protein sequence and biophysical properties (such as structural, functional, and spatial information, amino acid conservation, physicochemical variation, residue mobility, and thermodynamic stability) performed at Invitae indicates that this missense variant is not expected to disrupt JMJD1C protein function. This variant has not been reported in the literature in individuals affected with JMJD1C-related conditions. This variant is not present in population databases (gnomAD no frequency). This sequence change replaces glycine, which is neutral and non-polar, with serine, which is neutral and polar, at codon 1986 of the JMJD1C protein (p.Gly1986Ser).